The following is an entry in ClinVar:

ClinVar aggregate classification (germline): Uncertain significance (1 of 4 stars; one submission).

Conditions:
Congenital glucose-galactose malabsorption (GGM). Also called: DIARRHEA 16; MONOSACCHARIDE MALABSORPTION. Identifiers: Orphanet 35710, MedGen C0268186, MONDO:0011731, OMIM 606824.

Allele frequency attached by ClinVar (database versions not stated): ExAC 0.00001; gnomAD exomes 0.00001; gnomAD 0.00002 and 0.00003.
gnomAD v4.1: 27 of 1,614,268 alleles (0.0017%); highest among the groups gnomAD compares: Middle Eastern, 0.13%; no homozygotes.

Submission:

Labcorp Genetics (formerly Invitae), Labcorp
Classification: Uncertain significance for Congenital glucose-galactose malabsorption. Last evaluated: 2023-10-03. Review status: criteria provided, single submitter. Criteria: Invitae Variant Classification Sherloc (09022015). Collection method: clinical testing. Allele origin: germline.
Comment: This sequence change replaces methionine, which is neutral and non-polar, with leucine, which is neutral and non-polar, at codon 237 of the SLC5A1 protein (p.Met237Leu). This variant is present in population databases (rs766404734, gnomAD 0.004%). This variant has not been reported in the literature in individuals affected with SLC5A1-related conditions. ClinVar contains an entry for this variant (Variation ID: 1407626). Advanced modeling of protein sequence and biophysical properties (such as structural, functional, and spatial information, amino acid conservation, physicochemical variation, residue mobility, and thermodynamic stability) performed at Invitae indicates that this missense variant is not expected to disrupt SLC5A1 protein function. In summary, the available evidence is currently insufficient to determine the role of this variant in disease. Therefore, it has been classified as a Variant of Uncertain Significance.

NM_000343.4(SLC5A1):c.709A>C (p.Met237Leu)

Gene: SLC5A1 (solute carrier family 5 member 1; plus strand). Cytogenetic location: 22q12.3.
Variant type: single nucleotide variant.
Coding change: c.709A>C on transcript NM_000343.4 (MANE Select); coding-DNA position 709, A replaced by C.
Protein change: p.Met237Leu; replaces methionine 237 with leucine.
Molecular consequence: missense variant.
Genome position (GRCh38, 1-based): chr22:32,084,483, A>C. VCF-style: chr22-32084483-A-C. GRCh37 (hg19) VCF-style: chr22-32480470-A-C.
Other names: c.328A>C, p.Met110Leu (NM_001256314.2); short protein forms M110L, M237L.
Identifiers: ClinVar variation 1407626 (VCV001407626.7), dbSNP rs766404734, ClinGen allele CA10198053.
Genomic context (GRCh38, chr22:32,084,483, plus strand): 5'-TACCGATGTTTTCCAGCTTTTCACGAAGTGGGAGGCTATGACGCCTTCATGGAAAAGTAC[A>C]TGAAAGCCATTCCAACCATAGTGTCTGATGGCAACACCACCTTTCAGGAAAAATGCTACA-3'
Protein context (NP_000334.1, residues 227-247): GGYDAFMEKY[Met237Leu]KAIPTIVSDG